The following is an entry in ClinVar:

NM_198253.3(TERT):c.1898T>G (p.Ile633Ser)

Gene: TERT (telomerase reverse transcriptase; minus strand). Cytogenetic location: 5p15.33.
Variant type: single nucleotide variant.
Coding change: c.1898T>G on transcript NM_198253.3 (MANE Select); coding-DNA position 1898, T replaced by G.
Protein change: p.Ile633Ser; replaces isoleucine 633 with serine.
Molecular consequence: missense variant. On other transcripts: non-coding transcript variant (2).
Genome position (GRCh38, 1-based): chr5:1,280,210, A>C on the plus strand (T>G on the coding strand, the complement: TERT is on the minus strand). VCF-style: chr5-1280210-A-C. GRCh37 (hg19) VCF-style: chr5-1280325-A-C.
Other names: c.1898T>G, p.Ile633Ser (NM_001193376.3, NM_003219.1); short protein forms I633S.
Identifiers: ClinVar variation 1782208 (VCV001782208.2), dbSNP rs2478284472, ClinGen allele CA359081387.

ClinVar aggregate classification (germline): Uncertain significance (1 of 4 stars; one submission).

Conditions:
Dyskeratosis congenita. Identifiers: Orphanet 1775, MedGen C0265965, MONDO:0015780.

Submission:

Ambry Genetics
Classification: Uncertain significance for Dyskeratosis congenita. Last evaluated: 2022-08-11. Review status: criteria provided, single submitter. Criteria: Ambry Variant Classification Scheme 2023. Collection method: clinical testing. Allele origin: germline.
Comment: The p.I633S variant (also known as c.1898T>G), located in coding exon 4 of the TERT gene, results from a T to G substitution at nucleotide position 1898. The isoleucine at codon 633 is replaced by serine, an amino acid with dissimilar properties. This amino acid position is conserved. In addition, this alteration is predicted to be deleterious by in silico analysis. Since supporting evidence is limited at this time, the clinical significance of this alteration remains unclear.